The following is an entry in ClinVar:

ClinVar aggregate classification (germline): Conflicting classifications of pathogenicity. Review status: criteria provided, conflicting classifications (1 of 4 stars). 6 submissions from 6 submitters: Likely pathogenic (4); Uncertain significance (2). Last evaluated 2026-10-13.

Conditions:
Hereditary cancer-predisposing syndrome. Also called: Tumor predisposition; Neoplastic Syndromes, Hereditary; Hereditary Cancer Syndrome; Hereditary neoplastic syndrome. Identifiers: Orphanet 140162, MedGen C0027672, MeSH D009386, MONDO:0015356.
Hereditary breast ovarian cancer syndrome. Also called: BRCA1- and BRCA2-Associated Hereditary Breast and Ovarian Cancer; Hereditary breast and ovarian cancer syndrome; Hereditary breast and ovarian cancer; Hereditary breast and ovarian cancer syndrome (HBOC); Hereditary breast and/or ovarian cancer syndrome; Breast and ovarian cancer. Identifiers: Orphanet 145, MedGen C0677776, MeSH D061325, MONDO:0003582. Disease mechanism: loss of function.
Familial cancer of breast. Also called: hereditary breast carcinoma; BREAST CANCER, FAMILIAL; Hereditary breast cancer. Identifiers: Orphanet 227535, MedGen C0346153, MONDO:0016419, OMIM 114480. Disease mechanism: loss of function.

Allele frequency attached by ClinVar (database versions not stated): gnomAD exomes below 0.00001; ExAC 0.00001.

Submissions (6):

German Consortium for Hereditary Breast and Ovarian Cancer, University Hospital Cologne
Classification: Likely pathogenic for Hereditary breast ovarian cancer syndrome. Last evaluated: 2026-10-13. Review status: criteria provided, single submitter. Criteria: ACMG SVI. Collection method: curation. Allele origin: germline.
Comment: Prediction of an in frame deletion of 3 AS (p.Pro669_Leu671del) within a region critical for protein function (BRCT repeat domains) (PMID: 26022179); This classification follows the ACMG SVI adaptation classification scheme; We chose these criteria: PVS1 (very strong pathogenic): Splice AI: AL = 0.99 & AG = 088 --> Exon skipping or use of a cryptic splice site -10 bp (deletion of 3 amino acids (p.Pro669_Leu671del)) preserves reading frame in both cases --> Truncated / altered region is critical to protein function (BRCT-domain) --> PVS1, PM2 (supporting pathogenic): absent from gnomAD v3/4

Ambry Genetics
Classification: Uncertain significance for Hereditary cancer-predisposing syndrome. Last evaluated: 2026-03-19. Review status: criteria provided, single submitter. Criteria: Ambry Variant Classification Scheme 2023. Collection method: clinical testing. Allele origin: germline.
Comment: The c.2002-1G>A intronic variant results from a G to A substitution one nucleotide upstream from coding exon 11 of the BARD1 gene. Variants that disrupt the canonical splice site are expected to result in aberrant splicing. In silico splice site analysis predicts that this alteration will weaken the native splice acceptor site and will result in the creation or strengthening of a novel splice acceptor site. A resulting transcript is predicted to be in-frame and is not expected to trigger nonsense-mediated mRNA decay; although, direct evidence is unavailable. This nucleotide position is highly conserved in available vertebrate species. Based on the available evidence, the clinical significance of this variant remains unclear.

Color Diagnostics, LLC DBA Color Health
Classification: Likely pathogenic for Hereditary cancer-predisposing syndrome. Last evaluated: 2024-07-17. Review status: criteria provided, single submitter. Criteria: ACMG Guidelines, 2015. Collection method: clinical testing. Allele origin: germline.
Comment: This variant causes a G to A nucleotide substitution at the -1 position of intron 10 of the BARD1 gene. Splice site prediction tools predict that this variant may have a significant impact on RNA splicing, although this prediction has not been confirmed in published RNA studies. Submissions to ClinVar (SCV002718665.2, SCV000950663.4) indicate this variant may make use of an alternate downstream splice acceptor site and result in the the deletion of 3 amino acids (p.Pro669_Leu671del) within the BRCT2 repeat domain. Structural and functional studies have described Pro669 as being located in the functionally important ARD-BRCT interface (PMID: 34102105, 34321665), and that p.Pro669Gln disrupted BARD1 location to DSB sites (PMID: 34102105). To our knowledge, this variant has not been reported in individuals affected with hereditary cancer in the literature. However, a different single-nucleotide variant with the equivalent predicted splicing impact, c.2002-2A>C, has been observed in an individual affected with triple-negative breast cancer (PMID: 25452441) and two individuals affected with early-onset breast cancer with positive family history for the disease (PMID: 31036035). The c.2002-1G>A variant has been identified in 1/250074 chromosomes in the general population by the Genome Aggregation Database (gnomAD). Loss of BARD1 function is a known mechanism of disease. Based on the available evidence, this variant is classified as Likely Pathogenic.

GeneDx
Classification: Likely pathogenic. Last evaluated: 2023-10-27. Review status: criteria provided, single submitter. Criteria: GeneDx Variant Classification Process June 2021. Collection method: clinical testing. Allele origin: germline. Affected: yes.
Comment: Canonical splice site variant predicted to result in an in-frame loss of exon 11 which would disrupt the critical BRCT2 domain (PMID: 31803232), in a gene for which loss of function is a known mechanism of disease; Not observed at significant frequency in large population cohorts (gnomAD); Reported in an individual with melanoma in published literature (PMID: 33077847); This variant is associated with the following publications: (PMID: 33077847, 31803232)

Myriad Genetics, Inc.
Classification: Likely pathogenic for Familial cancer of breast. Last evaluated: 2023-05-25. Review status: criteria provided, single submitter. Criteria: Myriad Autosomal Dominant, Autosomal Recessive and X-Linked Classification Criteria (2023). Collection method: clinical testing. Allele origin: unknown.
Comment: This variant is considered likely pathogenic. This variant occurs within a consensus splice junction and is predicted to result in abnormal mRNA splicing of either an out-of-frame exon or an in-frame exon necessary for protein stability and/or normal function.

Labcorp Genetics (formerly Invitae), Labcorp
Classification: Uncertain significance for Familial cancer of breast. Last evaluated: 2023-01-03. Review status: criteria provided, single submitter. Criteria: Invitae Variant Classification Sherloc (09022015). Collection method: clinical testing. Allele origin: germline.
Comment: In summary, the available evidence is currently insufficient to determine the role of this variant in disease. Therefore, it has been classified as a Variant of Uncertain Significance. Variants that disrupt the consensus splice site are a relatively common cause of aberrant splicing (PMID: 17576681, 9536098). Studies have shown that disruption of this splice site results in the activation of a cryptic splice site in exon 11 (Invitae). ClinVar contains an entry for this variant (Variation ID: 450160). This variant has not been reported in the literature in individuals affected with BARD1-related conditions. This variant is present in population databases (rs762601855, gnomAD 0.0009%). This sequence change affects an acceptor splice site in intron 10 of the BARD1 gene. RNA analysis indicates that disruption of this splice site induces altered splicing and likely results in the loss of 3 amino acid residue(s), but is expected to preserve the integrity of the reading-frame.

Literature cited by the submitters: PubMed 25452441 (cited by Color Diagnostics, LLC DBA Color Health); PubMed 31036035 (cited by Color Diagnostics, LLC DBA Color Health); PubMed 34102105 (cited by Color Diagnostics, LLC DBA Color Health); PubMed 34321665 (cited by Color Diagnostics, LLC DBA Color Health); PubMed 17576681 (cited by Labcorp Genetics (formerly Invitae), Labcorp); PubMed 9536098 (cited by Labcorp Genetics (formerly Invitae), Labcorp).

NM_000465.4(BARD1):c.2002-1G>A

Gene: BARD1 (BRCA1 associated RING domain 1; minus strand). Cytogenetic location: 2q35.
Variant type: single nucleotide variant.
Coding change: c.2002-1G>A on transcript NM_000465.4 (MANE Select); the canonical splice acceptor site of the intron before coding-DNA position 2002, G replaced by A.
Molecular consequence: splice acceptor variant.
Genome position (GRCh38, 1-based): chr2:214,729,009, C>T on the plus strand (G>A on the coding strand, the complement: BARD1 is on the minus strand). VCF-style: chr2-214729009-C-T. GRCh37 (hg19) VCF-style: chr2-215593733-C-T.
Other names: c.592-1G>A (NM_001282548.2); c.1945-1G>A (NM_001282543.2); c.649-1G>A (NM_001282545.2); c.463-1G>A (NM_001282549.2).
Identifiers: ClinVar variation 450160 (VCV000450160.21), dbSNP rs762601855, ClinGen allele CA2090090.